The following is an entry in ClinVar:

NM_020433.5(JPH2):c.1704C>T (p.Ser568=)

Gene: JPH2 (junctophilin 2; minus strand). Cytogenetic location: 20q13.12.
Variant type: single nucleotide variant.
Coding change: c.1704C>T on transcript NM_020433.5 (MANE Select); coding-DNA position 1704, C replaced by T.
Protein change: p.Ser568=; no amino-acid change (serine 568 retained).
Molecular consequence: synonymous variant.
Genome position (GRCh38, 1-based): chr20:44,115,971, G>A on the plus strand (C>T on the coding strand, the complement: JPH2 is on the minus strand). VCF-style: chr20-44115971-G-A. GRCh37 (hg19) VCF-style: chr20-42744611-G-A.
Identifiers: ClinVar variation 215527 (VCV000215527.15), dbSNP rs200892606, ClinGen allele CA338011.

ClinVar aggregate classification (germline): Benign/Likely benign. Review status: criteria provided, multiple submitters, no conflicts (2 of 4 stars). 4 submissions from 4 submitters: Benign (1); Likely benign (3). Last evaluated 2026-02-01.

Conditions:
Cardiovascular phenotype. Identifiers: MedGen CN230736.
Hypertrophic cardiomyopathy. Also called: HYPERTROPHIC MYOCARDIOPATHY. Identifiers: Orphanet 217569, MedGen C0007194, MeSH D002312, MONDO:0005045, HP:0001639.

Allele frequency attached by ClinVar (database versions not stated): TOPMed 0.00005; 1000 Genomes Project 30x 0.00031; gnomAD exomes 0.00037; 1000 Genomes Project 0.00040; gnomAD 0.00045 and 0.00046; ExAC 0.00101.
gnomAD v4.1: 429 of 1,576,722 alleles (0.027%); highest among the groups gnomAD compares: Non-Finnish European, 0.016%; 3 homozygotes.

Submissions (4):

Labcorp Genetics (formerly Invitae), Labcorp
Classification: Benign for Hypertrophic cardiomyopathy. Last evaluated: 2026-02-01. Review status: criteria provided, single submitter. Criteria: Invitae Variant Classification Sherloc (09022015). Collection method: clinical testing. Allele origin: germline.

Blueprint Genetics
Classification: Likely benign. Last evaluated: 2024-11-28. Review status: criteria provided, single submitter. Criteria: ACMG Guidelines, 2015. Collection method: clinical testing. Allele origin: germline.

Ambry Genetics
Classification: Likely benign for Cardiovascular phenotype. Last evaluated: 2019-09-05. Review status: criteria provided, single submitter. Criteria: Ambry Variant Classification Scheme 2023. Collection method: clinical testing. Allele origin: germline.

GeneDx
Classification: Likely benign. Last evaluated: 2017-07-10. Review status: criteria provided, single submitter. Criteria: GeneDx Variant Classification (06012015). Collection method: clinical testing. Allele origin: germline. Affected: yes.
Comment: This variant is considered likely benign or benign based on one or more of the following criteria: it is a conservative change, it occurs at a poorly conserved position in the protein, it is predicted to be benign by multiple in silico algorithms, and/or has population frequency not consistent with disease.